The following is an entry in ClinVar:

NM_004333.6(BRAF):c.1990C>G (p.Gln664Glu)

Gene: BRAF (B-Raf proto-oncogene, serine/threonine kinase; minus strand). Cytogenetic location: 7q34.
Variant type: single nucleotide variant.
Coding change: c.1990C>G on transcript NM_004333.6 (MANE Select); coding-DNA position 1990, C replaced by G.
Protein change: p.Gln664Glu; replaces glutamine 664 with glutamic acid.
Molecular consequence: missense variant.
Genome position (GRCh38, 1-based): chr7:140,749,289, G>C on the plus strand (C>G on the coding strand, the complement: BRAF is on the minus strand). VCF-style: chr7-140749289-G-C. GRCh37 (hg19) VCF-style: chr7-140449089-G-C.
Other names: c.1990C>G, p.Gln664Glu (NM_001354609.2, NM_001378468.1, NM_001378474.1); c.2110C>G, p.Gln704Glu (NM_001374244.1, NM_001374258.1); c.1999C>G, p.Gln667Glu (NM_001378467.1); c.1924C>G, p.Gln642Glu (NM_001378469.1); c.1888C>G, p.Gln630Glu (NM_001378470.1); c.1879C>G, p.Gln627Glu (NM_001378471.1); c.1834C>G, p.Gln612Glu (NM_001378472.1, NM_001378473.1); c.1726C>G, p.Gln576Glu (NM_001378475.1); short protein forms Q576E, Q612E, Q627E, Q630E, Q642E, Q664E, Q667E, Q704E.
Identifiers: ClinVar variation 1321118 (VCV001321118.2), dbSNP rs754481830, ClinGen allele CA4516626.

ClinVar aggregate classification (germline): Uncertain significance (1 of 4 stars; one submission).

Allele frequency attached by ClinVar (database versions not stated): gnomAD exomes below 0.00001; ExAC 0.00001.

Submission:

GeneDx
Classification: Uncertain significance. Last evaluated: 2021-04-28. Review status: criteria provided, single submitter. Criteria: GeneDx Variant Classification Process June 2021. Collection method: clinical testing. Allele origin: germline. Affected: yes.
Comment: Missense variants in this gene are often considered pathogenic (Stenson 2014); In silico analysis supports that this missense variant has a deleterious effect on protein structure/function; Has not been previously published as pathogenic or benign to our knowledge